The following is an entry in ClinVar:

ClinVar aggregate classification (germline): Uncertain significance (1 of 4 stars; one submission).

Conditions:
Dystonic disorder. Also called: Dystonia. Identifiers: MedGen C0013421, MONDO:0003441, HP:0001332.

Allele frequency attached by ClinVar (database versions not stated): gnomAD exomes 0.00001 and 0.00004; ExAC 0.00002; TOPMed 0.00002; gnomAD 0.00004.
gnomAD v4.1: 21 of 1,609,964 alleles (0.0013%); highest among the groups gnomAD compares: Admixed American, 0.025%; no homozygotes.

Submission:

Labcorp Genetics (formerly Invitae), Labcorp
Classification: Uncertain significance for Dystonic disorder. Last evaluated: 2023-06-21. Review status: criteria provided, single submitter. Criteria: Invitae Variant Classification Sherloc (09022015). Collection method: clinical testing. Allele origin: germline.
Comment: In summary, the available evidence is currently insufficient to determine the role of this variant in disease. Therefore, it has been classified as a Variant of Uncertain Significance. An algorithm developed to predict the effect of missense changes on protein structure and function (PolyPhen-2) suggests that this variant is likely to be disruptive. ClinVar contains an entry for this variant (Variation ID: 1433633). This variant has not been reported in the literature in individuals affected with ANO3-related conditions. This variant is present in population databases (rs745681189, gnomAD 0.02%). This sequence change replaces arginine, which is basic and polar, with cysteine, which is neutral and slightly polar, at codon 285 of the ANO3 protein (p.Arg285Cys).

NM_031418.4(ANO3):c.853C>T (p.Arg285Cys)

Gene: ANO3 (anoctamin 3; plus strand). Cytogenetic location: 11p14.2.
Variant type: single nucleotide variant.
Coding change: c.853C>T on transcript NM_031418.4 (MANE Select); coding-DNA position 853, C replaced by T.
Protein change: p.Arg285Cys; replaces arginine 285 with cysteine.
Molecular consequence: missense variant.
Genome position (GRCh38, 1-based): chr11:26,531,320, C>T. VCF-style: chr11-26531320-C-T. GRCh37 (hg19) VCF-style: chr11-26552867-C-T.
Other names: c.1036C>T, p.Arg346Cys (NM_001313726.2); c.415C>T, p.Arg139Cys (NM_001313727.2); short protein forms R346C, R139C, R285C.
Identifiers: ClinVar variation 1433633 (VCV001433633.6), dbSNP rs745681189, ClinGen allele CA5925691.